The following is an entry in ClinVar:

NM_002693.3(POLG):c.3415T>C (p.Tyr1139His)

Gene: POLG (DNA polymerase gamma, catalytic subunit; minus strand). Cytogenetic location: 15q26.1.
Variant type: single nucleotide variant.
Coding change: c.3415T>C on transcript NM_002693.3 (MANE Select); coding-DNA position 3415, T replaced by C.
Protein change: p.Tyr1139His; replaces tyrosine 1139 with histidine.
Molecular consequence: missense variant.
Genome position (GRCh38, 1-based): chr15:89,318,608, A>G on the plus strand (T>C on the coding strand, the complement: POLG is on the minus strand). VCF-style: chr15-89318608-A-G. GRCh37 (hg19) VCF-style: chr15-89861839-A-G.
Other names: c.3415T>C, p.Tyr1139His (NM_001126131.2); short protein forms Y1139H.
Identifiers: ClinVar variation 807303 (VCV000807303.45), dbSNP rs1223325480, ClinGen allele CA393749777.
Genomic context (GRCh38, chr15:89,318,608, plus strand): 5'-AGAGGTTGGTGATCTGCAAGGCCAGGGCAGCGCGGTAGCGGTCCTCCTCCCGCACCAGGT[A>G]GCGAACCTCGTCATGGATGCTGATGCAGAAGCGCCCATCTATGGCAAACTCTTCAAACAG-3'
Protein context (NP_002684.1, residues 1129-1149): FCISIHDEVR[Tyr1139His]LVREEDRYRA

ClinVar aggregate classification (germline): Uncertain significance. Review status: criteria provided, multiple submitters, no conflicts (2 of 4 stars). 2 submissions from 2 submitters: Uncertain significance (2). Last evaluated 2025-07-20.

Conditions:
Progressive sclerosing poliodystrophy (MTDPS4A). Also called: ALPERS PROGRESSIVE INFANTILE POLIODYSTROPHY; Alpers-Huttenlocher Syndrome (AHS); Alpers Syndrome; Mitochondrial DNA Depletion Syndrome 4A; NEURONAL DEGENERATION OF CHILDHOOD WITH LIVER DISEASE, PROGRESSIVE; Mitochondrial DNA depletion syndrome 4A (Alpers type). Identifiers: Orphanet 726, MedGen C0205710, MONDO:0008758, OMIM 203700.

Allele frequency attached by ClinVar (database versions not stated): gnomAD exomes below 0.00001.
gnomAD v4.1: 1 of 1,614,200 alleles (0.000062%); highest among the groups gnomAD compares: Non-Finnish European, 0.000085%; no homozygotes.

Submissions (2):

Labcorp Genetics (formerly Invitae), Labcorp
Classification: Uncertain significance for Progressive sclerosing poliodystrophy. Last evaluated: 2025-07-20. Review status: criteria provided, single submitter. Criteria: Invitae Variant Classification Sherloc (09022015). Collection method: clinical testing. Allele origin: germline.
Comment: This sequence change replaces tyrosine, which is neutral and polar, with histidine, which is basic and polar, at codon 1139 of the POLG protein (p.Tyr1139His). This variant is present in population databases (no rsID available, gnomAD 0.0009%). This variant has not been reported in the literature in individuals affected with POLG-related conditions. ClinVar contains an entry for this variant (Variation ID: 807303). Invitae Evidence Modeling of protein sequence and biophysical properties (such as structural, functional, and spatial information, amino acid conservation, physicochemical variation, residue mobility, and thermodynamic stability) indicates that this missense variant is expected to disrupt POLG protein function with a positive predictive value of 95%. In summary, the available evidence is currently insufficient to determine the role of this variant in disease. Therefore, it has been classified as a Variant of Uncertain Significance.

CeGaT Center for Human Genetics Tuebingen
Classification: Uncertain significance. Last evaluated: 2016-09-01. Review status: criteria provided, single submitter. Criteria: CeGaT Center For Human Genetics Tuebingen Variant Classification Criteria Version 2. Collection method: clinical testing. Allele origin: germline. Affected: yes. Observed: 1 variant allele.